The following is an entry in ClinVar:

ClinVar aggregate classification (germline): Uncertain significance (1 of 4 stars; one submission).

Conditions:
Hereditary breast ovarian cancer syndrome. Also called: Hereditary breast and/or ovarian cancer syndrome; BRCA1- and BRCA2-Associated Hereditary Breast and Ovarian Cancer; Hereditary breast and ovarian cancer syndrome; Hereditary breast and ovarian cancer; Hereditary breast and ovarian cancer syndrome (HBOC); Breast and ovarian cancer. Identifiers: Orphanet 145, MedGen C0677776, MeSH D061325, MONDO:0003582. Disease mechanism: loss of function.

Submissions (2):

Labcorp Genetics (formerly Invitae), Labcorp
Classification: Uncertain significance for Hereditary breast ovarian cancer syndrome. Last evaluated: 2019-12-23. Review status: criteria provided, single submitter. Criteria: Invitae Variant Classification Sherloc (09022015). Collection method: clinical testing. Allele origin: germline.
Comment: In summary, the available evidence is currently insufficient to determine the role of this variant in disease. Therefore, it has been classified as a Variant of Uncertain Significance. Nucleotide substitutions within the consensus splice site are a relatively common cause of aberrant splicing (PMID: 17576681, 9536098). Experimental studies have shown that this variant does not affect mRNA splicing (PMID: 30209399). This variant has not been reported in the literature in individuals with BRCA1-related conditions. This variant is not present in population databases (ExAC no frequency). This sequence change falls in intron 16 of the BRCA1 gene. It does not directly change the encoded amino acid sequence of the BRCA1 protein, but it affects a nucleotide within the consensus splice site of the intron.

Brotman Baty Institute, University of Washington
No classification provided (evidence only). Condition: Breast-ovarian cancer, familial 1. Review status: no classification provided. Collection method: in vitro. Allele origin: not applicable. Functional consequence: functionally_normal. Not counted in ClinVar's aggregate classification.
ClinVar note: "not provided" was previously submitted as the classification for the variant. However, the classification appeared to be based only on an observation of functional data so it was converted to no classification on 2025-07-30.

Literature cited by the submitters: PubMed 17576681 (cited by Labcorp Genetics (formerly Invitae), Labcorp); PubMed 9536098 (cited by Labcorp Genetics (formerly Invitae), Labcorp); PubMed 30209399 (cited by Labcorp Genetics (formerly Invitae), Labcorp).

NM_007294.4(BRCA1):c.5074+4T>A

Gene: BRCA1 (BRCA1 DNA repair associated; minus strand). Cytogenetic location: 17q21.31.
Variant type: single nucleotide variant.
Coding change: c.5074+4T>A on transcript NM_007294.4 (MANE Select); 4 bases into the intron after coding-DNA position 5074, T replaced by A.
Molecular consequence: intron variant.
Genome position (GRCh38, 1-based): chr17:43,067,604, A>T on the plus strand (T>A on the coding strand, the complement: BRCA1 is on the minus strand). VCF-style: chr17-43067604-A-T. GRCh37 (hg19) VCF-style: chr17-41219621-A-T.
Other names: c.1621+4T>A (NM_001408458.1, NM_001408461.1, NM_001408464.1 and 7 more transcripts); c.4183+4T>A (NM_001407967.1); c.4693+4T>A (NM_001407959.1); c.4807+4T>A (NM_001407931.1, NM_001407932.1, NM_001407928.1 and 4 more transcripts); c.4930+4T>A (NM_001407747.1, NM_001407745.1, NM_001407737.1 and 21 more transcripts); c.4690+4T>A (NM_001407962.1, NM_001407960.1); c.1261+4T>A (NM_001408512.1); c.1384+4T>A (NM_001408510.1); and 71 more.
Identifiers: ClinVar variation 847801 (VCV000847801.21), dbSNP rs1567771887, ClinGen allele CA916080157.